The following is an entry in ClinVar:

ClinVar aggregate classification (germline): Pathogenic/Likely pathogenic. Review status: criteria provided, multiple submitters, no conflicts (2 of 4 stars). 2 submissions from 2 submitters: Pathogenic (1); Likely pathogenic (1). Last evaluated 2025-02-11.

Conditions:
Dilated cardiomyopathy 1G (CMD1G). Identifiers: Orphanet 154, MedGen C1858763, MONDO:0011400, OMIM 604145.
Autosomal recessive limb-girdle muscular dystrophy type 2J (LGMDR10). Also called: Limb-girdle muscular dystrophy, type 2J; MUSCULAR DYSTROPHY, LIMB-GIRDLE, AUTOSOMAL RECESSIVE 10. Identifiers: Orphanet 140922, MedGen C1837342, MONDO:0012127, OMIM 608807.

Submissions (2):

Institute of Clinical Chemistry and Institute of Clinical Molecular Biology, University Hospital Schleswig-Holstein, Campus Kiel
Classification: Pathogenic for Dilated cardiomyopathy 1G. Last evaluated: 2025-02-11. Review status: criteria provided, single submitter. Criteria: ACMG Guidelines, 2015. Collection method: clinical testing. Allele origin: germline. Affected: yes. Observed: 1 variant allele.
Comment: Applied ACMG criteria: PSV1, PM2

Labcorp Genetics (formerly Invitae), Labcorp
Classification: Likely pathogenic for Dilated cardiomyopathy 1G; Autosomal recessive limb-girdle muscular dystrophy type 2J. Last evaluated: 2024-04-04. Review status: criteria provided, single submitter. Criteria: Invitae Variant Classification Sherloc (09022015). Collection method: clinical testing. Allele origin: germline.
Comment: This sequence change creates a premature translational stop signal (p.Gln4404*) in the TTN gene. While this is not anticipated to result in nonsense mediated decay, it is expected to create a truncated TTN protein. This variant is not present in population databases (gnomAD no frequency). This variant has not been reported in the literature in individuals affected with TTN-related conditions. This variant is located in the I band of TTN (PMID: 25589632). Truncating variants in this region have been reported in individuals affected with autosomal recessive centronuclear myopathy (PMID: 23975875, Invitae internal data). Truncating variants in this region have also been identified in individuals affected with autosomal dominant dilated cardiomyopathy and/or cardio-related conditions (PMID: 27869827, 32964742, Invitae internal data). In summary, the currently available evidence indicates that the variant is pathogenic, but additional data are needed to prove that conclusively. Therefore, this variant has been classified as Likely Pathogenic.

Literature cited by the submitters: PubMed 25589632 (cited by Labcorp Genetics (formerly Invitae), Labcorp); PubMed 23975875 (cited by Labcorp Genetics (formerly Invitae), Labcorp); PubMed 27869827 (cited by Labcorp Genetics (formerly Invitae), Labcorp); PubMed 32964742 (cited by Labcorp Genetics (formerly Invitae), Labcorp).

NM_001267550.2(TTN):c.13210C>T (p.Gln4404Ter)

Gene: TTN (titin; minus strand). Cytogenetic location: 2q31.2.
Variant type: single nucleotide variant.
Coding change: c.13210C>T on transcript NM_001267550.2 (MANE Select); coding-DNA position 13210, C replaced by T.
Protein change: p.Gln4404Ter; replaces glutamine 4404 with a stop codon.
Molecular consequence: nonsense. On other transcripts: intron variant (1).
Genome position (GRCh38, 1-based): chr2:178,740,023, G>A on the plus strand (C>T on the coding strand, the complement: TTN is on the minus strand). VCF-style: chr2-178740023-G-A. GRCh37 (hg19) VCF-style: chr2-179604750-G-A.
Other names: c.12259C>T, p.Gln4087Ter (NM_001256850.1); c.12121C>T, p.Gln4041Ter (NM_003319.4); c.12496C>T, p.Gln4166Ter (NM_133432.3); c.12697C>T, p.Gln4233Ter (NM_133437.4); c.10361-1663C>T (NM_133378.4); short protein forms Q4041*, Q4087*, Q4166*, Q4233*, Q4404*.
Identifiers: ClinVar variation 3755700 (VCV003755700.3).